The following is an entry in ClinVar:

NM_000085.5(CLCNKB):c.1732A>G (p.Lys578Glu)

Genes: CLCNKB (chloride voltage-gated channel Kb; plus strand), LOC106501713 (CLCNKB recombination region; plus strand). Cytogenetic location: 1p36.13.
Variant type: single nucleotide variant.
Coding change: c.1732A>G on transcript NM_000085.5 (MANE Select); coding-DNA position 1732, A replaced by G.
Protein change: p.Lys578Glu; replaces lysine 578 with glutamic acid.
Molecular consequence: missense variant.
Genome position (GRCh38, 1-based): chr1:16,053,748, A>G. VCF-style: chr1-16053748-A-G. GRCh37 (hg19) VCF-style: chr1-16380243-A-G.
Other names: c.1225A>G, p.Lys409Glu (NM_001165945.2); short protein forms K578E, K409E.
Identifiers: ClinVar variation 447096 (VCV000447096.20), dbSNP rs2275166, ClinGen allele CA623993.

ClinVar aggregate classification (germline): Benign. Review status: criteria provided, multiple submitters, no conflicts (2 of 4 stars). 10 submissions from 9 submitters: Benign (10). Last evaluated 2026-02-04.

Conditions:
Bartter disease type 4B. Also called: BARTTER SYNDROME, TYPE 4B; BARTTER SYNDROME, TYPE 4B, NEONATAL, WITH SENSORINEURAL DEAFNESS; Bartter syndrome, type 4b, digenic. Identifiers: Orphanet 112, MedGen C4310805, MONDO:0000909, OMIM 613090.
Bartter disease type 3. Also called: Bartter syndrome type 3. Identifiers: Orphanet 112, Orphanet 93605, MedGen C1846343, MONDO:0011822, OMIM 607364.

Allele frequency attached by ClinVar (database versions not stated): gnomAD exomes 0.65295 and 0.66718; ExAC 0.65857; TOPMed 0.68761; gnomAD 0.69655 and 0.70089; 1000 Genomes Project 30x 0.70003; ESP Exome Variant Server 0.70083; 1000 Genomes Project 0.70168.
gnomAD v4.1: 1,078,957 of 1,610,920 alleles (67%); highest among the groups gnomAD compares: East Asian, 81%; 363,773 homozygotes.

Submissions (10):

Labcorp Genetics (formerly Invitae), Labcorp
Classification: Benign. Last evaluated: 2026-02-04. Review status: criteria provided, single submitter. Criteria: Invitae Variant Classification Sherloc (09022015). Collection method: clinical testing. Allele origin: germline.

Blueprint Genetics
Classification: Benign. Last evaluated: 2024-11-26. Review status: criteria provided, single submitter. Criteria: ACMG Guidelines, 2015. Collection method: clinical testing. Allele origin: germline.

Mayo Clinic Laboratories, Mayo Clinic
Classification: Benign. Last evaluated: 2022-09-23. Review status: criteria provided, single submitter. Criteria: ACMG Guidelines, 2015. Collection method: clinical testing. Allele origin: germline. Observed: 352 variant alleles.
Comment: BA1, BP4

Women's Health and Genetics/Laboratory Corporation of America, LabCorp
Classification: Benign. Last evaluated: 2021-12-17. Review status: criteria provided, single submitter. Criteria: LabCorp Variant Classification Summary - May 2015. Collection method: clinical testing. Allele origin: germline.

Genome-Nilou Lab
Classification: Benign for Bartter disease type 4B. Last evaluated: 2021-07-22. Review status: criteria provided, single submitter. Criteria: ACMG Guidelines, 2015. Collection method: clinical testing. Allele origin: germline. Affected: no.

Genome-Nilou Lab
Classification: Benign for Bartter disease type 3. Last evaluated: 2021-07-22. Review status: criteria provided, single submitter. Criteria: ACMG Guidelines, 2015. Collection method: clinical testing. Allele origin: germline. Affected: no.

GeneDx
Classification: Benign. Last evaluated: 2018-11-10. Review status: criteria provided, single submitter. Criteria: GeneDx Variant Classification Process June 2021. Collection method: clinical testing. Allele origin: germline. Affected: yes.
Comment: This variant is associated with the following publications: (PMID: 26814133, 29105529)

Athena Diagnostics
Classification: Benign. Last evaluated: 2017-07-26. Review status: criteria provided, single submitter. Criteria: Athena Diagnostics Criteria. Collection method: clinical testing. Allele origin: germline.

Laboratory for Molecular Medicine, Mass General Brigham Personalized Medicine
Classification: Benign. Last evaluated: 2016-03-21. Review status: criteria provided, single submitter. Criteria: LMM Criteria. Collection method: clinical testing. Allele origin: germline. Observed: 1 variant allele.
Comment: p.Lys578Glu in exon 16 of CLCNKB: This variant is not expected to have clinical significance because it has been identified in 79.60% (8227/10336) of African ch romosomes by the Exome Aggregation Consortium (ExAC. org; dbSNP rs2275166).

Breakthrough Genomics
Classification: Benign. Review status: criteria provided, single submitter. Criteria: ACMG Guidelines, 2015. Collection method: not provided. Allele origin: germline. Inheritance: Autosomal recessive inheritance. Affected: yes.